The following is an entry in ClinVar:

ClinVar aggregate classification (germline): Pathogenic (1 of 4 stars; one submission).

Conditions:
Inborn genetic diseases. Identifiers: MedGen C0950123, MeSH D030342.

Submission:

Ambry Genetics
Classification: Pathogenic for Inborn genetic diseases. Last evaluated: 2018-12-06. Review status: criteria provided, single submitter. Criteria: Ambry Variant Classification Scheme 2023. Collection method: clinical testing. Allele origin: germline.
Comment: The c.1994_1995delAA pathogenic mutation, located in coding exon 12 of the CDKL5 gene, results from a deletion of two nucleotides at nucleotide positions 1994 to 1995, causing a translational frameshift with a predicted alternate stop codon (p.K665Rfs*17). This alteration is expected to result in loss of function by premature protein truncation or nonsense-mediated mRNA decay. As such, this alteration is interpreted as a disease-causing mutation.

NM_001323289.2(CDKL5):c.1994_1995del (p.Lys665fs)

Gene: CDKL5 (cyclin dependent kinase like 5; plus strand). Cytogenetic location: Xp22.13.
Variant type: Deletion.
Coding change: c.1994_1995del on transcript NM_001323289.2 (MANE Select); coding-DNA positions 1994 to 1995, 2 bases deleted (AA; older notation c.1994_1995delAA).
Protein change: p.Lys665fs; shifts the reading frame from lysine 665.
Molecular consequence: frameshift variant.
Genome position (GRCh38, 1-based): chrX:18,608,860-18,608,861, AA deleted; deleting any 2 consecutive bases within chrX:18,608,859-18,608,861 gives the same sequence; the c. name uses the placement nearest the transcript's 3' end. VCF-style (leftmost placement, unchanged base first): chrX-18608858-CAA-C. GRCh37 (hg19) VCF-style: chrX-18626978-CAA-C.
Other names: c.1994_1995del, p.Lys665fs (NM_001037343.2, NM_003159.3); short protein forms K665fs.
Identifiers: ClinVar variation 1784021 (VCV001784021.2), dbSNP rs2518880323, ClinGen allele CA2580100492.